The following is an entry in ClinVar:

NM_000051.4(ATM):c.2715T>G (p.Cys905Trp)

Gene: ATM (ATM serine/threonine kinase; plus strand). Cytogenetic location: 11q22.3.
Variant type: single nucleotide variant.
Coding change: c.2715T>G on transcript NM_000051.4 (MANE Select); coding-DNA position 2715, T replaced by G.
Protein change: p.Cys905Trp; replaces cysteine 905 with tryptophan.
Molecular consequence: missense variant.
Genome position (GRCh38, 1-based): chr11:108,268,486, T>G. VCF-style: chr11-108268486-T-G. GRCh37 (hg19) VCF-style: chr11-108139213-T-G.
Other names: c.2715T>G, p.Cys905Trp (NM_001351834.2); short protein forms C905W.
Identifiers: ClinVar variation 1002463 (VCV001002463.11), dbSNP rs2081385130, ClinGen allele CA382545289.
Genomic context (GRCh38, chr11:108,268,486, plus strand): 5'-AGCTGAAGAATATCTGTCAAAGCAAGATCTACTTTTCTTAGACATGCTCAAGTTCTTGTG[T>G]TTGTGTGTAACTACTGCTCAGACCAATACTGTGTCCTTTAGGGCAGCTGATATTCGGAGG-3'
Protein context (NP_000042.3, residues 895-915): LLFLDMLKFL[Cys905Trp]LCVTTAQTNT

ClinVar aggregate classification (germline): Uncertain significance. Review status: criteria provided, multiple submitters, no conflicts (2 of 4 stars). 2 submissions from 2 submitters: Uncertain significance (2). Last evaluated 2020-12-03.

Conditions:
Hereditary cancer-predisposing syndrome. Also called: Hereditary neoplastic syndrome; Neoplastic Syndromes, Hereditary; Tumor predisposition; Hereditary Cancer Syndrome. Identifiers: Orphanet 140162, MedGen C0027672, MeSH D009386, MONDO:0015356.
Ataxia-telangiectasia syndrome (AT). Also called: Ataxia-telangiectasia, complementation group D; AT, COMPLEMENTATION GROUP C; ATAXIA-TELANGIECTASIA, COMPLEMENTATION GROUP A; ATAXIA-TELANGIECTASIA, FRESNO VARIANT; Ataxia-telangiectasia; Cerebello-oculocutaneous telangiectasia. Identifiers: Orphanet 100, MedGen C0004135, MONDO:0008840, OMIM 208900.

Submissions (2):

Ambry Genetics
Classification: Uncertain significance for Hereditary cancer-predisposing syndrome. Last evaluated: 2020-12-03. Review status: criteria provided, single submitter. Criteria: Ambry Variant Classification Scheme 2023. Collection method: clinical testing. Allele origin: germline.
Comment: The p.C905W variant (also known as c.2715T>G), located in coding exon 17 of the ATM gene, results from a T to G substitution at nucleotide position 2715. The cysteine at codon 905 is replaced by tryptophan, an amino acid with highly dissimilar properties. This amino acid position is highly conserved in available vertebrate species. In addition, this alteration is predicted to be deleterious by in silico analysis. Since supporting evidence is limited at this time, the clinical significance of this alteration remains unclear.

Labcorp Genetics (formerly Invitae), Labcorp
Classification: Uncertain significance for Ataxia-telangiectasia syndrome. Last evaluated: 2020-01-06. Review status: criteria provided, single submitter. Criteria: Invitae Variant Classification Sherloc (09022015). Collection method: clinical testing. Allele origin: germline.
Comment: In summary, the available evidence is currently insufficient to determine the role of this variant in disease. Therefore, it has been classified as a Variant of Uncertain Significance. Algorithms developed to predict the effect of missense changes on protein structure and function are either unavailable or do not agree on the potential impact of this missense change (SIFT: "Deleterious"; PolyPhen-2: "Possibly Damaging"; Align-GVGD: "Class C15"). This variant has not been reported in the literature in individuals with ATM-related conditions. This variant is not present in population databases (ExAC no frequency). This sequence change replaces cysteine with tryptophan at codon 905 of the ATM protein (p.Cys905Trp). The cysteine residue is moderately conserved and there is a large physicochemical difference between cysteine and tryptophan.